The following is an entry in ClinVar:

NM_000538.4(RFXAP):c.150A>T (p.Gln50His)

Genes: RFXAP (regulatory factor X associated protein; plus strand), LOC130009573 (ATAC-STARR-seq lymphoblastoid silent region 5267; plus strand). Cytogenetic location: 13q13.3.
Variant type: single nucleotide variant.
Coding change: c.150A>T on transcript NM_000538.4 (MANE Select); coding-DNA position 150, A replaced by T.
Protein change: p.Gln50His; replaces glutamine 50 with histidine.
Molecular consequence: missense variant.
Genome position (GRCh38, 1-based): chr13:36,819,507, A>T. VCF-style: chr13-36819507-A-T. GRCh37 (hg19) VCF-style: chr13-37393644-A-T.
Other names: short protein forms Q50H.
Identifiers: ClinVar variation 850238 (VCV000850238.7), dbSNP rs761195790, ClinGen allele CA248179366.

ClinVar aggregate classification (germline): Uncertain significance (1 of 4 stars; one submission).

Conditions:
MHC class II deficiency. Also called: Bare lymphocyte syndrome 2; BLS, TYPE II. Identifiers: Orphanet 572, MedGen C5447452, MONDO:0008855.

Allele frequency attached by ClinVar (database versions not stated): TOPMed 0.00002.
gnomAD v4.1: 49 of 1,552,248 alleles (0.0032%); highest among the groups gnomAD compares: East Asian, 0.012%; no homozygotes.

Submission:

Labcorp Genetics (formerly Invitae), Labcorp
Classification: Uncertain significance for MHC class II deficiency. Last evaluated: 2021-08-28. Review status: criteria provided, single submitter. Criteria: Invitae Variant Classification Sherloc (09022015). Collection method: clinical testing. Allele origin: germline.
Comment: This sequence change replaces glutamine with histidine at codon 50 of the RFXAP protein (p.Gln50His). The glutamine residue is weakly conserved and there is a small physicochemical difference between glutamine and histidine. The frequency data for this variant in the population databases is considered unreliable, as metrics indicate insufficient coverage at this position in the ExAC database. This variant has not been reported in the literature in individuals affected with RFXAP-related conditions. Algorithms developed to predict the effect of missense changes on protein structure and function output the following: SIFT: "Tolerated"; PolyPhen-2: "Benign"; Align-GVGD: "Class C0". The histidine amino acid residue is found in multiple mammalian species, which suggests that this missense change does not adversely affect protein function. In summary, the available evidence is currently insufficient to determine the role of this variant in disease. Therefore, it has been classified as a Variant of Uncertain Significance.